The following is an entry in ClinVar:

ClinVar aggregate classification (germline): Conflicting classifications of pathogenicity. Review status: criteria provided, conflicting classifications (1 of 4 stars). 2 submissions from 2 submitters: Likely pathogenic (1); Uncertain significance (1). Last evaluated 2024-11-08.

Conditions:
Infantile GM1 gangliosidosis. Also called: Gangliosidosis, Generalized GM1, Type 1; GM1-gangliosidosis, type I; Gangliosidosis, generalized GM1, infantile form; GLB1 deficiency; GM1 gangliosidosis type 1. Identifiers: Orphanet 354, Orphanet 79255, MedGen C0268271, MONDO:0009260, OMIM 230500.

Allele frequency attached by ClinVar (database versions not stated): gnomAD exomes below 0.00001.
gnomAD v4.1: 1 of 1,614,116 alleles (0.000062%); highest among the groups gnomAD compares: South Asian, 0.0011%; no homozygotes.

Submissions (2):

Blueprint Genetics
Classification: Uncertain significance. Last evaluated: 2024-11-08. Review status: criteria provided, single submitter. Criteria: ACMG Guidelines, 2015. Collection method: clinical testing. Allele origin: germline.

Foundation for Research in Genetics and Endocrinology, FRIGE's Institute of Human Genetics
Classification: Likely pathogenic for Infantile GM1 gangliosidosis. Last evaluated: 2020-01-13. Review status: criteria provided, single submitter. Criteria: ACMG Guidelines, 2015. Collection method: clinical testing. Allele origin: germline. Inheritance: Autosomal recessive inheritance. Affected: yes. Observed: 1 homozygote.
Comment: A homozygous missense variation in exon 4 of the GLB1 gene that results in the amino acid substitution of Leucine for Proline at codon 136 was detected. The observed variant c.407C>T (p.Pro136Leu) has not been reported in the 1000 Genomes and ExAC databases. The in silico prediction of the variant is disease causing by PolyPhen-2 , Provean, FATHMM and MutationTaster2. In summary, the variant meets our criteria to be classified as likely pathogenic.

NM_000404.4(GLB1):c.407C>T (p.Pro136Leu)

Gene: GLB1 (galactosidase beta 1; minus strand). Cytogenetic location: 3p22.3.
Variant type: single nucleotide variant.
Coding change: c.407C>T on transcript NM_000404.4 (MANE Select); coding-DNA position 407, C replaced by T.
Protein change: p.Pro136Leu; replaces proline 136 with leucine.
Molecular consequence: missense variant. On other transcripts: intron variant (1).
Genome position (GRCh38, 1-based): chr3:33,068,280, G>A on the plus strand (C>T on the coding strand, the complement: GLB1 is on the minus strand). VCF-style: chr3-33068280-G-A. GRCh37 (hg19) VCF-style: chr3-33109772-G-A.
Other names: c.317C>T, p.Pro106Leu (NM_001079811.3); c.551C>T, p.Pro184Leu (NM_001317040.2); c.407C>T, p.Pro136Leu (NM_001393580.1); c.246-2723C>T (NM_001135602.3); short protein forms P184L, P136L, P106L.
Identifiers: ClinVar variation 818226 (VCV000818226.4), dbSNP rs1575471281, ClinGen allele CA351994262.